The following is an entry in ClinVar:

ClinVar aggregate classification (germline): Uncertain significance (1 of 4 stars; one submission).

Allele frequency attached by ClinVar (database versions not stated): gnomAD exomes below 0.00001; gnomAD 0.00001; TOPMed 0.00001.
gnomAD v4.1: 3 of 1,606,836 alleles (0.00019%); highest among the groups gnomAD compares: Non-Finnish European, 0.00026%; no homozygotes.

Submission:

Labcorp Genetics (formerly Invitae), Labcorp
Classification: Uncertain significance. Last evaluated: 2021-05-06. Review status: criteria provided, single submitter. Criteria: Invitae Variant Classification Sherloc (09022015). Collection method: clinical testing. Allele origin: germline.
Comment: In summary, the available evidence is currently insufficient to determine the role of this variant in disease. Therefore, it has been classified as a Variant of Uncertain Significance. Advanced modeling of protein sequence and biophysical properties (such as structural, functional, and spatial information, amino acid conservation, physicochemical variation, residue mobility, and thermodynamic stability) performed at Invitae indicates that this missense variant is not expected to disrupt IFT27 protein function. This variant has not been reported in the literature in individuals with IFT27-related conditions. This variant is not present in population databases (ExAC no frequency). This sequence change replaces aspartic acid with asparagine at codon 133 of the IFT27 protein (p.Asp133Asn). The aspartic acid residue is moderately conserved and there is a small physicochemical difference between aspartic acid and asparagine.

NM_001177701.3(IFT27):c.400G>A (p.Asp134Asn)

Genes: CACNG2-DT (CACNG2 divergent transcript; plus strand), IFT27 (intraflagellar transport 27; minus strand). Cytogenetic location: 22q12.3.
Variant type: single nucleotide variant.
Coding change: c.400G>A on transcript NM_001177701.3 (MANE Select); coding-DNA position 400, G replaced by A.
Protein change: p.Asp134Asn; replaces aspartic acid 134 with asparagine.
Molecular consequence: missense variant.
Genome position (GRCh38, 1-based): chr22:36,762,966, C>T on the plus strand (G>A on the coding strand, the complement: IFT27 is on the minus strand). VCF-style: chr22-36762966-C-T. GRCh37 (hg19) VCF-style: chr22-37159010-C-T.
Other names: c.400G>A, p.Asp134Asn (NM_001363003.2); c.397G>A, p.Asp133Asn (NM_006860.5); short protein forms D133N, D134N.
Identifiers: ClinVar variation 1424705 (VCV001424705.8), dbSNP rs1303914729, ClinGen allele CA411381684.